The following is an entry in ClinVar:

ClinVar aggregate classification (germline): Pathogenic. Review status: criteria provided, multiple submitters, no conflicts (2 of 4 stars). 2 submissions from 2 submitters: Pathogenic (2). Last evaluated 2025-09-10.

Conditions:
Cone-rod dystrophy and hearing loss 1 (CRDHL1). Identifiers: MedGen C5193018, MONDO:0020778, OMIM 617236.

Allele frequency attached by ClinVar (database versions not stated): ExAC 0.00001.
gnomAD v4.1: 2 of 1,599,724 alleles (0.00013%); highest among the groups gnomAD compares: Non-Finnish European, 0.000085%; no homozygotes.

Submissions (2):

Genomic Medicine Center of Excellence, King Faisal Specialist Hospital and Research Centre
Classification: Pathogenic for Cone-rod dystrophy and hearing loss 1. Last evaluated: 2025-09-10. Review status: criteria provided, single submitter. Criteria: ACMG Guidelines, 2015. Collection method: clinical testing. Allele origin: germline.

Labcorp Genetics (formerly Invitae), Labcorp
Classification: Pathogenic. Last evaluated: 2022-08-23. Review status: criteria provided, single submitter. Criteria: Invitae Variant Classification Sherloc (09022015). Collection method: clinical testing. Allele origin: germline.
Comment: This sequence change creates a premature translational stop signal (p.Gln337*) in the CEP78 gene. It is expected to result in an absent or disrupted protein product. Loss-of-function variants in CEP78 are known to be pathogenic (PMID: 27588451, 27588452, 27627988). The frequency data for this variant in the population databases is considered unreliable, as metrics indicate poor data quality at this position in the gnomAD database. This variant has not been reported in the literature in individuals affected with CEP78-related conditions. ClinVar contains an entry for this variant (Variation ID: 1457961). For these reasons, this variant has been classified as Pathogenic.

Literature cited by the submitters: PubMed 27588451 (cited by Labcorp Genetics (formerly Invitae), Labcorp); PubMed 27588452 (cited by Labcorp Genetics (formerly Invitae), Labcorp); PubMed 27627988 (cited by Labcorp Genetics (formerly Invitae), Labcorp).

NM_001330691.3(CEP78):c.1009C>T (p.Gln337Ter)

Gene: CEP78 (centrosomal protein 78; plus strand). Cytogenetic location: 9q21.2.
Variant type: single nucleotide variant.
Coding change: c.1009C>T on transcript NM_001330691.3 (MANE Select); coding-DNA position 1009, C replaced by T.
Protein change: p.Gln337Ter; replaces glutamine 337 with a stop codon.
Molecular consequence: nonsense.
Genome position (GRCh38, 1-based): chr9:78,248,813, C>T. VCF-style: chr9-78248813-C-T. GRCh37 (hg19) VCF-style: chr9-80863729-C-T.
Other names: c.1009C>T, p.Gln337Ter (NM_001098802.3, NM_001330693.3, NM_001330694.2 and 4 more transcripts); short protein forms Q337*.
Identifiers: ClinVar variation 1457961 (VCV001457961.7), dbSNP rs760484787, ClinGen allele CA5095112.